The following is an entry in ClinVar:

ClinVar aggregate classification (germline): Pathogenic. Review status: reviewed by expert panel (3 of 4 stars). 9 submissions from 9 submitters: Pathogenic (1). 8 of the submissions do not count toward it. Last evaluated 2016-09-08.

Conditions:
Hereditary cancer-predisposing syndrome. Also called: Tumor predisposition; Neoplastic Syndromes, Hereditary; Hereditary Cancer Syndrome; Hereditary neoplastic syndrome. Identifiers: Orphanet 140162, MedGen C0027672, MeSH D009386, MONDO:0015356.
Hereditary breast ovarian cancer syndrome. Also called: Hereditary breast and ovarian cancer syndrome (HBOC); Hereditary breast and ovarian cancer syndrome; Hereditary breast and ovarian cancer; Hereditary breast and/or ovarian cancer syndrome; Breast and ovarian cancer; BRCA1- and BRCA2-Associated Hereditary Breast and Ovarian Cancer. Identifiers: Orphanet 145, MedGen C0677776, MeSH D061325, MONDO:0003582. Disease mechanism: loss of function.
Breast-ovarian cancer, familial, susceptibility to, 1 (BROVCA1). Also called: OVARIAN CANCER, SUSCEPTIBILITY TO; BRCA1 Hereditary Breast and Ovarian Cancer. Identifiers: Orphanet 145, MedGen C2676676, MONDO:0011450, OMIM 604370. Disease mechanism: loss of function.

Submissions (9):

Evidence-based Network for the Interpretation of Germline Mutant Alleles (ENIGMA)
Classification: Pathogenic for Breast-ovarian cancer, familial, susceptibility to, 1. Last evaluated: 2016-09-08. Review status: reviewed by expert panel. Criteria: ENIGMA BRCA1/2 Classification Criteria (2015). Collection method: curation. Allele origin: germline.
Comment: Variant allele predicted to encode a truncated non-functional protein.

Dasa
Classification: Pathogenic for Breast-ovarian cancer, familial, susceptibility to, 1. Last evaluated: 2026-03-04. Review status: criteria provided, single submitter. Criteria: DASA Assertion Criteria. Collection method: clinical testing. Allele origin: germline. Not counted in ClinVar's aggregate classification.
Comment: NM_007294.4(BRCA1):c.1067del (p.Gln356Argfs*18) is a frameshift variant in BRCA1 predicted to alter the reading frame and introduce a premature termination codon and is predicted to result in an absent or altered protein product. Loss of function is an established disease mechanism for BRCA1 (PMID: 32375709; PMID: 21989022; PMID: 11802209). The affected residue or protein region has prior evidence supporting clinical relevance. Also, this variant is rare in population databases. Based on the currently available evidence, this variant is classified as pathogenic.

Ambry Genetics
Classification: Pathogenic for Hereditary cancer-predisposing syndrome. Last evaluated: 2024-07-22. Review status: criteria provided, single submitter. Criteria: Ambry Variant Classification Scheme 2023. Collection method: clinical testing. Allele origin: germline. Not counted in ClinVar's aggregate classification.
Comment: The c.1067delA pathogenic mutation, located in coding exon 9 of the BRCA1 gene, results from a deletion of one nucleotide at nucleotide position 1067, causing a translational frameshift with a predicted alternate stop codon (p.Q356Rfs*18). This variant is considered to be rare based on population cohorts in the Genome Aggregation Database (gnomAD). This alteration is expected to result in loss of function by premature protein truncation or nonsense-mediated mRNA decay. As such, this alteration is interpreted as a disease-causing mutation.

Color Diagnostics, LLC DBA Color Health
Classification: Pathogenic for Hereditary cancer-predisposing syndrome. Last evaluated: 2023-02-28. Review status: criteria provided, single submitter. Criteria: ACMG Guidelines, 2015. Collection method: clinical testing. Allele origin: germline. Not counted in ClinVar's aggregate classification.
Comment: This variant deletes 1 nucleotide in exon 10 of the BRCA1 gene, creating a frameshift and premature translation stop signal. This variant is expected to result in an absent or non-functional protein product. To our knowledge, functional studies have not been reported for this variant. This variant has been reported in individuals and families affected with breast and/or ovarian cancer (PMID: 22762150, 24065114, 34072659). This variant has not been identified in the general population by the Genome Aggregation Database (gnomAD). Loss of BRCA1 function is a known mechanism of disease. Based on the available evidence, this variant is classified as Pathogenic.

Labcorp Genetics (formerly Invitae), Labcorp
Classification: Pathogenic for Hereditary breast ovarian cancer syndrome. Last evaluated: 2021-07-10. Review status: criteria provided, single submitter. Criteria: Invitae Variant Classification Sherloc (09022015). Collection method: clinical testing. Allele origin: germline. Not counted in ClinVar's aggregate classification.
Comment: For these reasons, this variant has been classified as Pathogenic. ClinVar contains an entry for this variant (Variation ID: 54115). This premature translational stop signal has been observed in individual(s) with breast and/or ovarian cancer (PMID: 22762150, 30103829). This variant is not present in population databases (ExAC no frequency). This sequence change creates a premature translational stop signal (p.Gln356Argfs*18) in the BRCA1 gene. It is expected to result in an absent or disrupted protein product. Loss-of-function variants in BRCA1 are known to be pathogenic (PMID: 20104584).

GeneDx
Classification: Pathogenic. Last evaluated: 2016-07-18. Review status: criteria provided, single submitter. Criteria: GeneDx Variant Classification (06012015). Collection method: clinical testing. Allele origin: germline. Affected: yes. Not counted in ClinVar's aggregate classification.
Comment: This deletion of one nucleotide in BRCA1 is denoted c.1067delA at the cDNA level and p.Gln356ArgfsX18 (Q356RfsX18) at the protein level. The normal sequence, with the base that is deleted in braces, is AAGC[A]GAAA. The deletion causes a frameshift which changes a Glutamine to an Arginine at codon 356, and creates a premature stop codon at position 18 of the new reading frame. This variant is predicted to cause loss of normal protein function through either protein truncation or nonsense-mediated mRNA decay. BRCA1 c.1067delA has been observed in at least two individuals with a personal and/or family history consistent with Hereditary Breast and Ovarian Cancer (Ricci 2014). We consider this variant to be pathogenic.

Consortium of Investigators of Modifiers of BRCA1/2 (CIMBA), c/o University of Cambridge
Classification: Pathogenic for Breast-ovarian cancer, familial, susceptibility to, 1. Last evaluated: 2015-10-02. Review status: criteria provided, single submitter. Criteria: CIMBA Mutation Classification guidelines May 2016. Collection method: clinical testing. Allele origin: germline. Not counted in ClinVar's aggregate classification.

Sharing Clinical Reports Project (SCRP)
Classification: Pathogenic for Breast-ovarian cancer, familial 1. Last evaluated: 2009-11-25. Review status: no assertion criteria provided. Collection method: clinical testing. Allele origin: germline. Not counted in ClinVar's aggregate classification.

Breast Cancer Information Core (BIC) (BRCA1)
Classification: Pathogenic for Breast-ovarian cancer, familial 1. Last evaluated: 2004-02-20. Review status: no assertion criteria provided. Collection method: clinical testing. Allele origin: germline. Affected: yes. Observed: 2 variant alleles. Not counted in ClinVar's aggregate classification.

Literature cited by the submitters: PubMed 32375709 (cited by Dasa); PubMed 21989022 (cited by Dasa); PubMed 11802209 (cited by Dasa); PubMed 22762150 (cited by Color Diagnostics, LLC DBA Color Health and Labcorp Genetics (formerly Invitae), Labcorp); PubMed 24065114 (cited by Color Diagnostics, LLC DBA Color Health); PubMed 34072659 (cited by Color Diagnostics, LLC DBA Color Health); PubMed 30103829 (cited by Labcorp Genetics (formerly Invitae), Labcorp); PubMed 20104584 (cited by Labcorp Genetics (formerly Invitae), Labcorp).

NM_007294.4(BRCA1):c.1067del (p.Gln356fs)

Gene: BRCA1 (BRCA1 DNA repair associated; minus strand). Cytogenetic location: 17q21.31.
Variant type: Deletion.
Coding change: c.1067del on transcript NM_007294.4 (MANE Select); coding-DNA position 1067, one base deleted (A; older notation c.1067delA).
Protein change: p.Gln356fs; shifts the reading frame from glutamine 356.
Molecular consequence: frameshift variant. On other transcripts: intron variant (137).
Genome position (GRCh38, 1-based): chr17:43,094,464, T deleted on the plus strand (A on the coding strand, the reverse complement: BRCA1 is on the minus strand). VCF-style (leftmost placement, unchanged base first): chr17-43094463-CT-C. GRCh37 (hg19) VCF-style: chr17-41246480-CT-C.
Other names: 1186delA; c.944del, p.Gln315fs (NM_001407679.1, NM_001407680.1, NM_001407681.1 and 19 more transcripts); c.1067del, p.Gln356fs (NM_001407684.1, NM_001407854.1, NM_001407858.1 and 30 more transcripts); c.941del, p.Gln314fs (NM_001407685.1, NM_001407686.1, NM_001407687.1 and 11 more transcripts); c.926del, p.Gln309fs (NM_001407692.1, NM_001407694.1, NM_001407695.1 and 29 more transcripts); c.923del, p.Gln308fs (NM_001407740.1, NM_001407741.1, NM_001407742.1 and 20 more transcripts); c.854del, p.Gln285fs (NM_001407853.1, NM_001407894.1, NM_001407895.1 and 9 more transcripts); c.1064del, p.Gln355fs (NM_001407860.1, NM_001407861.1, NM_001407587.1 and 22 more transcripts); and 41 more; short protein forms Q309fs, Q356fs, Q285fs, Q286fs, Q308fs, Q314fs, Q267fs, Q315fs.
Identifiers: ClinVar variation 54115 (VCV000054115.21), dbSNP rs80357796, ClinGen allele CA000713.